The following is an entry in ClinVar:

NM_000540.3(RYR1):c.6300C>T (p.His2100=)

Gene: RYR1 (ryanodine receptor 1; plus strand). Cytogenetic location: 19q13.2.
Variant type: single nucleotide variant.
Coding change: c.6300C>T on transcript NM_000540.3 (MANE Select); coding-DNA position 6300, C replaced by T.
Protein change: p.His2100=; no amino-acid change (histidine 2100 retained).
Molecular consequence: synonymous variant.
Genome position (GRCh38, 1-based): chr19:38,494,377, C>T. VCF-style: chr19-38494377-C-T. GRCh37 (hg19) VCF-style: chr19-38985017-C-T.
Other names: c.6300C>T, p.His2100= (NM_001042723.2).
Identifiers: ClinVar variation 1142373 (VCV001142373.10), dbSNP rs758140159, ClinGen allele CA068022.

ClinVar aggregate classification (germline): Likely benign. Review status: criteria provided, multiple submitters, no conflicts (2 of 4 stars). 2 submissions from 2 submitters: Likely benign (2). Last evaluated 2024-12-26.

Conditions:
RYR1-related disorder. Also called: RYR1-related condition; RYR1-related disorders. Identifiers: MedGen CN239331.
Malignant hyperthermia, susceptibility to, 1 (MHS1). Also called: Anesthesia related hyperthermia; Malignant hyperpyrexia; Fulminating hyperpyrexia; Pharmacogenic myopathy; RYR1-Related Malignant Hyperthermia Susceptibility; Malignant hyperthermia suceptibility 1. Identifiers: Orphanet 423, MedGen C2930980, MONDO:0007783, OMIM 145600.

Allele frequency attached by ClinVar (database versions not stated): gnomAD exomes below 0.00001 and 0.00001; ExAC 0.00001; gnomAD 0.00003 and 0.00004; TOPMed 0.00005.
gnomAD v4.1: 7 of 1,611,588 alleles (0.00043%); highest among the groups gnomAD compares: African/African-American, 0.008%; no homozygotes.

Submissions (2):

Labcorp Genetics (formerly Invitae), Labcorp
Classification: Likely benign for RYR1-related disorder. Last evaluated: 2024-12-26. Review status: criteria provided, single submitter. Criteria: Invitae Variant Classification Sherloc (09022015). Collection method: clinical testing. Allele origin: germline.

All of Us Research Program, National Institutes of Health
Classification: Likely benign for Malignant hyperthermia, susceptibility to, 1. Last evaluated: 2024-09-16. Review status: criteria provided, single submitter. Criteria: ACMG Guidelines, 2015. Collection method: clinical testing. Allele origin: germline. Inheritance: Autosomal dominant inheritance. Observed: 1 variant allele, 1 heterozygote.
Comment: This study involves interpretation of variants in research participants for the purpose of population health screening. Participant phenotype was not available at the time of variant classification. Additional details can be found in publication PMID: 35346344, PMCID: PMC8962531